The following is an entry in ClinVar:

NM_007294.4(BRCA1):c.4677G>C (p.Glu1559Asp)

Gene: BRCA1 (BRCA1 DNA repair associated; minus strand). Cytogenetic location: 17q21.31.
Variant type: single nucleotide variant.
Coding change: c.4677G>C on transcript NM_007294.4 (MANE Select); coding-DNA position 4677, G replaced by C.
Protein change: p.Glu1559Asp; replaces glutamic acid 1559 with aspartic acid.
Molecular consequence: missense variant. On other transcripts: non-coding transcript variant (1).
Genome position (GRCh38, 1-based): chr17:43,071,237, C>G on the plus strand (G>C on the coding strand, the complement: BRCA1 is on the minus strand). VCF-style: chr17-43071237-C-G. GRCh37 (hg19) VCF-style: chr17-41223254-C-G.
Other names: c.4464G>C, p.Glu1488Asp (NM_001407571.1, NM_001407902.1, NM_001407904.1 and 12 more transcripts); c.4743G>C, p.Glu1581Asp (NM_001407581.1, NM_001407582.1); c.4740G>C, p.Glu1580Asp (NM_001407583.1, NM_001407585.1, NM_001407587.1 and 1 more transcripts); c.4737G>C, p.Glu1579Asp (NM_001407590.1, NM_001407591.1); c.4677G>C, p.Glu1559Asp (NM_001407593.1, NM_001407594.1, NM_001407596.1 and 8 more transcripts); c.4674G>C, p.Glu1558Asp (NM_001407610.1, NM_001407611.1, NM_001407612.1 and 17 more transcripts); c.4671G>C, p.Glu1557Asp (NM_001407630.1, NM_001407631.1, NM_001407632.1 and 14 more transcripts); c.4599G>C, p.Glu1533Asp (NM_001407653.1, NM_001407654.1, NM_001407655.1); and 70 more; short protein forms E1559D, E1512D, E455D, E1580D, E1431D, E1448D, E1518D, E1540D.
Identifiers: ClinVar variation 141610 (VCV000141610.11), dbSNP rs587781876, ClinGen allele CA002972.

ClinVar aggregate classification (germline): Conflicting classifications of pathogenicity. Review status: criteria provided, conflicting classifications (1 of 4 stars). 4 submissions from 4 submitters: Uncertain significance (3); Likely benign (1). Last evaluated 2025-07-09.

Conditions:
Hereditary cancer-predisposing syndrome. Also called: Tumor predisposition; Hereditary neoplastic syndrome; Hereditary Cancer Syndrome; Neoplastic Syndromes, Hereditary. Identifiers: Orphanet 140162, MedGen C0027672, MeSH D009386, MONDO:0015356.
Hereditary breast ovarian cancer syndrome. Also called: Hereditary breast and/or ovarian cancer syndrome; Breast and ovarian cancer; Hereditary breast and ovarian cancer syndrome; Hereditary breast and ovarian cancer; Hereditary breast and ovarian cancer syndrome (HBOC); BRCA1- and BRCA2-Associated Hereditary Breast and Ovarian Cancer. Identifiers: Orphanet 145, MedGen C0677776, MeSH D061325, MONDO:0003582. Disease mechanism: loss of function.
Breast-ovarian cancer, familial, susceptibility to, 1 (BROVCA1). Also called: BRCA1 Hereditary Breast and Ovarian Cancer; OVARIAN CANCER, SUSCEPTIBILITY TO. Identifiers: Orphanet 145, MedGen C2676676, MONDO:0011450, OMIM 604370. Disease mechanism: loss of function.

Allele frequency attached by ClinVar (database versions not stated): gnomAD exomes below 0.00001.
gnomAD v4.1: 3 of 1,613,888 alleles (0.00019%); highest among the groups gnomAD compares: Non-Finnish European, 0.00025%; no homozygotes.

Submissions (4):

ARUP Laboratories, Molecular Genetics and Genomics, ARUP Laboratories
Classification: Likely benign. Last evaluated: 2025-07-09. Review status: criteria provided, single submitter. Criteria: ARUP Molecular Germline Variant Investigation Process 2024. Collection method: clinical testing. Allele origin: germline.

Ambry Genetics
Classification: Uncertain significance for Hereditary cancer-predisposing syndrome. Last evaluated: 2025-01-16. Review status: criteria provided, single submitter. Criteria: Ambry Variant Classification Scheme 2023. Collection method: clinical testing. Allele origin: germline.
Comment: The p.E1559D variant (also known as c.4677G>C), located in coding exon 14 of the BRCA1 gene, results from a G to C substitution at nucleotide position 4677. The glutamic acid at codon 1559 is replaced by aspartic acid, an amino acid with highly similar properties. This alteration was identified in an individual diagnosed with ovarian cancer (Akbari MR et al. J Med Genet, 2011 Nov;48:783-6). This amino acid position is highly conserved in available vertebrate species. In addition, the in silico prediction for this alteration is inconclusive. Based on the available evidence, the clinical significance of this variant remains unclear.

Labcorp Genetics (formerly Invitae), Labcorp
Classification: Uncertain significance for Hereditary breast ovarian cancer syndrome. Last evaluated: 2024-08-08. Review status: criteria provided, single submitter. Criteria: Invitae Variant Classification Sherloc (09022015). Collection method: clinical testing. Allele origin: germline.
Comment: This sequence change replaces glutamic acid, which is acidic and polar, with aspartic acid, which is acidic and polar, at codon 1559 of the BRCA1 protein (p.Glu1559Asp). This variant is not present in population databases (gnomAD no frequency). This missense change has been observed in individual(s) with ovarian cancer (PMID: 21965345). ClinVar contains an entry for this variant (Variation ID: 141610). An algorithm developed to predict the effect of missense changes on protein structure and function (PolyPhen-2) suggests that this variant is likely to be tolerated. In summary, the available evidence is currently insufficient to determine the role of this variant in disease. Therefore, it has been classified as a Variant of Uncertain Significance.

All of Us Research Program, National Institutes of Health
Classification: Uncertain significance for Breast-ovarian cancer, familial, susceptibility to, 1. Last evaluated: 2024-02-05. Review status: criteria provided, single submitter. Criteria: ACMG Guidelines, 2015. Collection method: clinical testing. Allele origin: germline. Inheritance: Autosomal dominant inheritance. Observed: 1 variant allele, 1 heterozygote.
Comment: This missense variant replaces glutamic acid with aspartic acid at codon 1559 of the BRCA1 protein. Computational prediction is inconclusive regarding the impact of this variant on protein structure and function. To our knowledge, functional studies have not been reported for this variant. This variant is reported in an individual affected with ovarian cancer (PMID: 21965345). This variant has not been identified in the general population by the Genome Aggregation Database (gnomAD). The available evidence is insufficient to determine the role of this variant in disease conclusively. Therefore, this variant is classified as a Variant of Uncertain Significance.

This study involves interpretation of variants in research participants for the purpose of population health screening. Participant phenotype was not available at the time of variant classification. Additional details can be found in publication PMID: 35346344, PMCID: PMC8962531

Literature cited by the submitters: PubMed 21965345 (cited by 3 submitters).